The following is an entry in ClinVar:

NM_175875.5(SIX5):c.2017G>A (p.Ala673Thr)

Gene: SIX5 (SIX homeobox 5; minus strand). Cytogenetic location: 19q13.32.
Variant type: single nucleotide variant.
Coding change: c.2017G>A on transcript NM_175875.5 (MANE Select); coding-DNA position 2017, G replaced by A.
Protein change: p.Ala673Thr; replaces alanine 673 with threonine.
Molecular consequence: missense variant.
Genome position (GRCh38, 1-based): chr19:45,765,704, C>T on the plus strand (G>A on the coding strand, the complement: SIX5 is on the minus strand). VCF-style: chr19-45765704-C-T. GRCh37 (hg19) VCF-style: chr19-46268962-C-T.
Other names: short protein forms A673T.
Identifiers: ClinVar variation 1978938 (VCV001978938.5), dbSNP rs765722531, ClinGen allele CA9520432.

ClinVar aggregate classification (germline): Uncertain significance. Review status: criteria provided, multiple submitters, no conflicts (2 of 4 stars). 2 submissions from 2 submitters: Uncertain significance (2). Last evaluated 2024-10-29.

Allele frequency attached by ClinVar (database versions not stated): ExAC 0.00001; gnomAD 0.00001; TOPMed 0.00001; gnomAD exomes 0.00002.

Submissions (2):

Labcorp Genetics (formerly Invitae), Labcorp
Classification: Uncertain significance. Last evaluated: 2024-10-29. Review status: criteria provided, single submitter. Criteria: Invitae Variant Classification Sherloc (09022015). Collection method: clinical testing. Allele origin: germline.
Comment: This sequence change replaces alanine, which is neutral and non-polar, with threonine, which is neutral and polar, at codon 673 of the SIX5 protein (p.Ala673Thr). This variant is present in population databases (rs765722531, gnomAD 0.01%). This variant has not been reported in the literature in individuals affected with SIX5-related conditions. ClinVar contains an entry for this variant (Variation ID: 1978938). An algorithm developed to predict the effect of missense changes on protein structure and function outputs the following: PolyPhen-2: "Benign". The threonine amino acid residue is found in multiple mammalian species, which suggests that this missense change does not adversely affect protein function. In summary, the available evidence is currently insufficient to determine the role of this variant in disease. Therefore, it has been classified as a Variant of Uncertain Significance.

Blueprint Genetics
Classification: Uncertain significance. Last evaluated: 2021-01-20. Review status: criteria provided, single submitter. Criteria: ACMG Guidelines, 2015. Collection method: clinical testing. Allele origin: germline.